The following is an entry in ClinVar:

NM_000059.4(BRCA2):c.8294delinsCTC (p.Cys2765fs)

Gene: BRCA2 (BRCA2 DNA repair associated; plus strand). Cytogenetic location: 13q13.1.
Variant type: Indel.
Coding change: c.8294delinsCTC on transcript NM_000059.4 (MANE Select); coding-DNA position 8294, G replaced by CTC.
Protein change: p.Cys2765fs; shifts the reading frame from cysteine 2765.
Molecular consequence: frameshift variant. On other transcripts: non-coding transcript variant (1).
Genome position (GRCh38, 1-based): chr13:32,363,496, G replaced by CTC. VCF-style: chr13-32363496-G-CTC. GRCh37 (hg19) VCF-style: chr13-32937633-G-CTC.
Other names: c.1877delinsCTC, p.Cys626fs (NM_001406722.1); c.8198delinsCTC, p.Cys2733fs (NM_001406719.1); c.8294delinsCTC, p.Cys2765fs (NM_001406720.1); c.3362delinsCTC, p.Cys1121fs (NM_001406721.1); short protein forms C2765fs, C626fs, C1121fs, C2733fs.
Identifiers: ClinVar variation 2774952 (VCV002774952.2), dbSNP rs2548546994, ClinGen allele CA2697551779.

ClinVar aggregate classification (germline): Pathogenic (1 of 4 stars; one submission).

Conditions:
Hereditary cancer-predisposing syndrome. Also called: Neoplastic Syndromes, Hereditary; Tumor predisposition; Hereditary Cancer Syndrome; Hereditary neoplastic syndrome. Identifiers: Orphanet 140162, MedGen C0027672, MeSH D009386, MONDO:0015356.

Submission:

Color Diagnostics, LLC DBA Color Health
Classification: Pathogenic for Hereditary cancer-predisposing syndrome. Last evaluated: 2021-10-11. Review status: criteria provided, single submitter. Criteria: ACMG Guidelines, 2015. Collection method: clinical testing. Allele origin: germline.
Comment: This variant deletes 1 nucleotide (G) and replaces it with three different nucleotides (CTC) in exon 18 of the BRCA2 gene, creating a frameshift and premature translation stop signal. This variant is expected to result in an absent or non-functional protein product. This variant has not been reported in individuals affected with hereditary cancer in the literature. This variant has not been identified in the general population by the Genome Aggregation Database (gnomAD). Loss of BRCA2 function is a known mechanism of disease. Based on the available evidence, this variant is classified as Pathogenic.